The following is an entry in ClinVar:

ClinVar aggregate classification (germline): Likely benign. Review status: criteria provided, multiple submitters, no conflicts (2 of 4 stars). 3 submissions from 3 submitters: Likely benign (2). 1 of the submissions does not count toward it. Last evaluated 2025-01-28.

Conditions:
TTN-related disorder. Also called: TTN-related disorders; TTN-related condition; TTN-related disease.
Cardiovascular phenotype. Identifiers: MedGen CN230736.
Dilated cardiomyopathy 1G (CMD1G). Identifiers: Orphanet 154, MedGen C1858763, MONDO:0011400, OMIM 604145.
Autosomal recessive limb-girdle muscular dystrophy type 2J (LGMDR10). Also called: Limb-girdle muscular dystrophy, type 2J; MUSCULAR DYSTROPHY, LIMB-GIRDLE, AUTOSOMAL RECESSIVE 10. Identifiers: Orphanet 140922, MedGen C1837342, MONDO:0012127, OMIM 608807.

gnomAD v4.1: 3 of 1,613,358 alleles (0.00019%); highest among the groups gnomAD compares: Non-Finnish European, 0.00025%; no homozygotes.

Submissions (3):

Ambry Genetics
Classification: Likely benign for Cardiovascular phenotype. Last evaluated: 2025-01-28. Review status: criteria provided, single submitter. Criteria: Ambry Variant Classification Scheme 2023. Collection method: clinical testing. Allele origin: germline.

Labcorp Genetics (formerly Invitae), Labcorp
Classification: Likely benign for Dilated cardiomyopathy 1G; Autosomal recessive limb-girdle muscular dystrophy type 2J. Last evaluated: 2024-11-15. Review status: criteria provided, single submitter. Criteria: Invitae Variant Classification Sherloc (09022015). Collection method: clinical testing. Allele origin: germline.

PreventionGenetics, part of Exact Sciences
Classification: Likely benign for TTN-related condition. Last evaluated: 2019-09-13. Review status: no assertion criteria provided. Collection method: clinical testing. Allele origin: germline. Not counted in ClinVar's aggregate classification.
Comment: This variant is classified as likely benign based on ACMG/AMP sequence variant interpretation guidelines (Richards et al. 2015 PMID: 25741868, with internal and published modifications).

NM_001267550.2(TTN):c.78048C>T (p.Asn26016=)

Genes: TTN (titin; minus strand), TTN-AS1 (TTN antisense RNA 1; plus strand). Cytogenetic location: 2q31.2.
Variant type: single nucleotide variant.
Coding change: c.78048C>T on transcript NM_001267550.2 (MANE Select); coding-DNA position 78048, C replaced by T.
Protein change: p.Asn26016=; no amino-acid change (asparagine 26016 retained).
Molecular consequence: synonymous variant.
Genome position (GRCh38, 1-based): chr2:178,568,084, G>A on the plus strand (C>T on the coding strand, the complement: TTN is on the minus strand). VCF-style: chr2-178568084-G-A. GRCh37 (hg19) VCF-style: chr2-179432811-G-A.
Other names: c.73125C>T, p.Asn24375= (NM_001256850.1); c.50853C>T, p.Asn16951= (NM_003319.4); c.70344C>T, p.Asn23448= (NM_133378.4); c.51228C>T, p.Asn17076= (NM_133432.3); c.51429C>T, p.Asn17143= (NM_133437.4).
Identifiers: ClinVar variation 3357407 (VCV003357407.4).